The following is an entry in ClinVar:

NM_001367561.1(DOCK7):c.2850A>T (p.Glu950Asp)

Gene: DOCK7 (dedicator of cytokinesis 7; minus strand). Cytogenetic location: 1p31.3.
Variant type: single nucleotide variant.
Coding change: c.2850A>T on transcript NM_001367561.1 (MANE Select); coding-DNA position 2850, A replaced by T.
Protein change: p.Glu950Asp; replaces glutamic acid 950 with aspartic acid.
Molecular consequence: missense variant. On other transcripts: intron variant (3).
Genome position (GRCh38, 1-based): chr1:62,544,956, T>A on the plus strand (A>T on the coding strand, the complement: DOCK7 is on the minus strand). VCF-style: chr1-62544956-T-A. GRCh37 (hg19) VCF-style: chr1-63010627-T-A.
Other names: c.2850A>T, p.Glu950Asp (NM_001271999.2, NM_001330614.2); c.2767-1211A>T (NM_001272001.2, NM_001272000.2, NM_033407.4); short protein forms E950D.
Identifiers: ClinVar variation 1024097 (VCV001024097.9), dbSNP rs1016943600, ClinGen allele CA23744217.
Genomic context (GRCh38, chr1:62,544,956, plus strand): 5'-CTAAAGGGAAACATCAGCAGCCAATAAAGAAACCTCTAATATAAACACCACCTGTGTTGA[T>A]TCTGCACTTGGACTGGGGTTGGATCCCCATGGGGCAGCTTTTGGACCACCAGTGTTAACC-3'
Protein context (NP_001354490.1, residues 940-960): PWGSNPSPSA[Glu950Asp]STQAMDRSCN

ClinVar aggregate classification (germline): Uncertain significance (1 of 4 stars; one submission).

Conditions:
Developmental and epileptic encephalopathy, 23 (DEE23). Also called: Epileptic encephalopathy, early infantile, 23. Identifiers: Orphanet 411986, MedGen C4014492, MONDO:0014371, OMIM 615859.

Allele frequency attached by ClinVar (database versions not stated): gnomAD exomes 0.00001; TOPMed 0.00001.
gnomAD v4.1: 7 of 1,549,628 alleles (0.00045%); highest among the groups gnomAD compares: Middle Eastern, 0.12%; no homozygotes.

Submission:

Labcorp Genetics (formerly Invitae), Labcorp
Classification: Uncertain significance for Developmental and epileptic encephalopathy, 23. Last evaluated: 2020-10-09. Review status: criteria provided, single submitter. Criteria: Invitae Variant Classification Sherloc (09022015). Collection method: clinical testing. Allele origin: germline.
Comment: In summary, the available evidence is currently insufficient to determine the role of this variant in disease. Therefore, it has been classified as a Variant of Uncertain Significance. Algorithms developed to predict the effect of missense changes on protein structure and function are either unavailable or do not agree on the potential impact of this missense change (SIFT: "Deleterious"; PolyPhen-2: "Benign"; Align-GVGD: "Class C0"). This variant has not been reported in the literature in individuals with DOCK7-related conditions. The frequency data for this variant in the population databases is considered unreliable, as metrics indicate insufficient coverage at this position in the ExAC database. This sequence change replaces glutamic acid with aspartic acid at codon 950 of the DOCK7 protein (p.Glu950Asp). The glutamic acid residue is weakly conserved and there is a small physicochemical difference between glutamic acid and aspartic acid.